The following is an entry in ClinVar:

NM_016151.4(TAOK2):c.1992+5G>A

Gene: TAOK2 (TAO kinase 2; plus strand). Cytogenetic location: 16p11.2.
Variant type: single nucleotide variant.
Coding change: c.1992+5G>A on transcript NM_016151.4 (MANE Select); 5 bases into the intron after coding-DNA position 1992, G replaced by A.
Molecular consequence: intron variant.
Genome position (GRCh38, 1-based): chr16:29,985,866, G>A. VCF-style: chr16-29985866-G-A. GRCh37 (hg19) VCF-style: chr16-29997187-G-A.
Other names: c.1992+5G>A (NM_004783.4, NM_001252043.2).
Identifiers: ClinVar variation 2077477 (VCV002077477.4), dbSNP rs1316152506, ClinGen allele CA2580091464.

ClinVar aggregate classification (germline): Uncertain significance (1 of 4 stars; one submission).

Submission:

Labcorp Genetics (formerly Invitae), Labcorp
Classification: Uncertain significance. Last evaluated: 2024-05-12. Review status: criteria provided, single submitter. Criteria: Invitae Variant Classification Sherloc (09022015). Collection method: clinical testing. Allele origin: germline.
Comment: This sequence change falls in intron 15 of the TAOK2 gene. It does not directly change the encoded amino acid sequence of the TAOK2 protein. It affects a nucleotide within the consensus splice site. This variant is not present in population databases (gnomAD no frequency). This variant has not been reported in the literature in individuals affected with TAOK2-related conditions. ClinVar contains an entry for this variant (Variation ID: 2077477). Variants that disrupt the consensus splice site are a relatively common cause of aberrant splicing (PMID: 17576681, 9536098). Algorithms developed to predict the effect of sequence changes on RNA splicing suggest that this variant is not likely to affect RNA splicing. In summary, the available evidence is currently insufficient to determine the role of this variant in disease. Therefore, it has been classified as a Variant of Uncertain Significance.

Literature cited by the submitters: PubMed 17576681; PubMed 9536098.